The following is an entry in ClinVar:

NM_033026.6(PCLO):c.5555A>G (p.His1852Arg)

Gene: PCLO (piccolo presynaptic cytomatrix protein; minus strand). Cytogenetic location: 7q21.11.
Variant type: single nucleotide variant.
Coding change: c.5555A>G on transcript NM_033026.6 (MANE Select); coding-DNA position 5555, A replaced by G.
Protein change: p.His1852Arg; replaces histidine 1852 with arginine.
Molecular consequence: missense variant.
Genome position (GRCh38, 1-based): chr7:82,955,398, T>C on the plus strand (A>G on the coding strand, the complement: PCLO is on the minus strand). VCF-style: chr7-82955398-T-C. GRCh37 (hg19) VCF-style: chr7-82584714-T-C.
Other names: c.5555A>G, p.His1852Arg (NM_014510.3); short protein forms H1852R.
Identifiers: ClinVar variation 2112828 (VCV002112828.4), dbSNP rs1795487291, ClinGen allele CA367923942.

ClinVar aggregate classification (germline): Uncertain significance (1 of 4 stars; one submission).

Allele frequency attached by ClinVar (database versions not stated): gnomAD exomes below 0.00001; TOPMed below 0.00001.
gnomAD v4.1: 1 of 1,613,940 alleles (0.000062%); highest among the groups gnomAD compares: South Asian, 0.0011%; no homozygotes.

Submission:

Labcorp Genetics (formerly Invitae), Labcorp
Classification: Uncertain significance. Last evaluated: 2022-03-16. Review status: criteria provided, single submitter. Criteria: Invitae Variant Classification Sherloc (09022015). Collection method: clinical testing. Allele origin: germline.
Comment: Algorithms developed to predict the effect of missense changes on protein structure and function are either unavailable or do not agree on the potential impact of this missense change (SIFT: "Deleterious"; PolyPhen-2: "Not Available"; Align-GVGD: "Class C0"). This variant has not been reported in the literature in individuals affected with PCLO-related conditions. This variant is not present in population databases (gnomAD no frequency). This sequence change replaces histidine, which is basic and polar, with arginine, which is basic and polar, at codon 1852 of the PCLO protein (p.His1852Arg). In summary, the available evidence is currently insufficient to determine the role of this variant in disease. Therefore, it has been classified as a Variant of Uncertain Significance.